The following is an entry in ClinVar:

NM_003737.4(DCHS1):c.3746A>C (p.Asn1249Thr)

Gene: DCHS1 (dachsous cadherin-related 1; minus strand). Cytogenetic location: 11p15.4.
Variant type: single nucleotide variant.
Coding change: c.3746A>C on transcript NM_003737.4 (MANE Select); coding-DNA position 3746, A replaced by C.
Protein change: p.Asn1249Thr; replaces asparagine 1249 with threonine.
Molecular consequence: missense variant.
Genome position (GRCh38, 1-based): chr11:6,631,337, T>G on the plus strand (A>C on the coding strand, the complement: DCHS1 is on the minus strand). VCF-style: chr11-6631337-T-G. GRCh37 (hg19) VCF-style: chr11-6652568-T-G.
Other names: short protein forms N1249T.
Identifiers: ClinVar variation 4701194 (VCV004701194.1).

ClinVar aggregate classification (germline): Uncertain significance (1 of 4 stars; one submission).

gnomAD v4.1: 1 of 1,613,848 alleles (0.000062%); highest among the groups gnomAD compares: Non-Finnish European, 0.000085%; no homozygotes.

Submission:

Labcorp Genetics (formerly Invitae), Labcorp
Classification: Uncertain significance. Last evaluated: 2025-05-07. Review status: criteria provided, single submitter. Criteria: Invitae Variant Classification Sherloc (09022015). Collection method: clinical testing. Allele origin: germline.
Comment: This sequence change replaces asparagine, which is neutral and polar, with threonine, which is neutral and polar, at codon 1249 of the DCHS1 protein (p.Asn1249Thr). This variant is not present in population databases (gnomAD no frequency). This variant has not been reported in the literature in individuals affected with DCHS1-related conditions. Invitae Evidence Modeling of protein sequence and biophysical properties (such as structural, functional, and spatial information, amino acid conservation, physicochemical variation, residue mobility, and thermodynamic stability) indicates that this missense variant is expected to disrupt DCHS1 protein function with a positive predictive value of 80%. In summary, the available evidence is currently insufficient to determine the role of this variant in disease. Therefore, it has been classified as a Variant of Uncertain Significance.